The following is an entry in ClinVar:

ClinVar aggregate classification (germline): Uncertain significance. Review status: criteria provided, multiple submitters, no conflicts (2 of 4 stars). 2 submissions from 2 submitters: Uncertain significance (2). Last evaluated 2023-12-15.

Conditions:
Inborn genetic diseases. Identifiers: MedGen C0950123, MeSH D030342.
Combined immunodeficiency due to MALT1 deficiency. Also called: Immunodeficiency 12. Identifiers: Orphanet 397964, MedGen C3809583, MONDO:0014197, OMIM 615468.

Submissions (2):

Ambry Genetics
Classification: Uncertain significance for Inborn genetic diseases. Last evaluated: 2023-12-15. Review status: criteria provided, single submitter. Criteria: Ambry Variant Classification Scheme 2023. Collection method: clinical testing. Allele origin: germline.

Labcorp Genetics (formerly Invitae), Labcorp
Classification: Uncertain significance for Combined immunodeficiency due to MALT1 deficiency. Last evaluated: 2022-08-07. Review status: criteria provided, single submitter. Criteria: Invitae Variant Classification Sherloc (09022015). Collection method: clinical testing. Allele origin: germline.
Comment: In summary, the available evidence is currently insufficient to determine the role of this variant in disease. Therefore, it has been classified as a Variant of Uncertain Significance. This sequence change replaces valine, which is neutral and non-polar, with alanine, which is neutral and non-polar, at codon 395 of the MALT1 protein (p.Val395Ala). This variant is not present in population databases (gnomAD no frequency). This variant has not been reported in the literature in individuals affected with MALT1-related conditions. Algorithms developed to predict the effect of missense changes on protein structure and function (SIFT, PolyPhen-2, Align-GVGD) all suggest that this variant is likely to be disruptive.

NM_006785.4(MALT1):c.1184T>C (p.Val395Ala)

Gene: MALT1 (MALT1 paracaspase; plus strand). Cytogenetic location: 18q21.32.
Variant type: single nucleotide variant.
Coding change: c.1184T>C on transcript NM_006785.4 (MANE Select); coding-DNA position 1184, T replaced by C.
Protein change: p.Val395Ala; replaces valine 395 with alanine.
Molecular consequence: missense variant.
Genome position (GRCh38, 1-based): chr18:58,723,213, T>C. VCF-style: chr18-58723213-T-C. GRCh37 (hg19) VCF-style: chr18-56390445-T-C.
Other names: c.1151T>C, p.Val384Ala (NM_173844.3); c.1184T>C (NM_006785.2); short protein forms V395A, V384A.
Identifiers: ClinVar variation 2164336 (VCV002164336.4), dbSNP rs2511537908, ClinGen allele CA402574343.